The following is an entry in ClinVar:

ClinVar aggregate classification (germline): Uncertain significance (1 of 4 stars; one submission).

gnomAD v4.1: 1 of 1,614,214 alleles (0.000062%); highest among the groups gnomAD compares: Non-Finnish European, 0.000085%; no homozygotes.

Submission:

Labcorp Genetics (formerly Invitae), Labcorp
Classification: Uncertain significance. Last evaluated: 2024-02-14. Review status: criteria provided, single submitter. Criteria: Invitae Variant Classification Sherloc (09022015). Collection method: clinical testing. Allele origin: germline.
Comment: This sequence change replaces leucine, which is neutral and non-polar, with proline, which is neutral and non-polar, at codon 690 of the EMC1 protein (p.Leu690Pro). This variant is not present in population databases (gnomAD no frequency). This variant has not been reported in the literature in individuals affected with EMC1-related conditions. Advanced modeling of protein sequence and biophysical properties (such as structural, functional, and spatial information, amino acid conservation, physicochemical variation, residue mobility, and thermodynamic stability) performed at Invitae indicates that this missense variant is expected to disrupt EMC1 protein function with a positive predictive value of 80%. In summary, the available evidence is currently insufficient to determine the role of this variant in disease. Therefore, it has been classified as a Variant of Uncertain Significance.

NM_015047.3(EMC1):c.2069T>C (p.Leu690Pro)

Genes: EMC1 (ER membrane protein complex subunit 1; minus strand), EMC1-AS1 (EMC1 antisense RNA 1; plus strand). Cytogenetic location: 1p36.13.
Variant type: single nucleotide variant.
Coding change: c.2069T>C on transcript NM_015047.3 (MANE Select); coding-DNA position 2069, T replaced by C.
Protein change: p.Leu690Pro; replaces leucine 690 with proline.
Molecular consequence: missense variant.
Genome position (GRCh38, 1-based): chr1:19,227,446, A>G on the plus strand (T>C on the coding strand, the complement: EMC1 is on the minus strand). VCF-style: chr1-19227446-A-G. GRCh37 (hg19) VCF-style: chr1-19553940-A-G.
Other names: c.2066T>C, p.Leu689Pro (NM_001271428.2, NM_001271427.2); c.2003T>C, p.Leu668Pro (NM_001271429.2); c.2078T>C, p.Leu693Pro (NM_001375820.1); c.2075T>C, p.Leu692Pro (NM_001375821.1); short protein forms L668P, L689P, L690P, L693P, L692P.
Identifiers: ClinVar variation 3632341 (VCV003632341.2).